The following is an entry in ClinVar:

NM_005534.4(IFNGR2):c.589A>T (p.Ile197Phe)

Gene: IFNGR2 (interferon gamma receptor 2; plus strand). Cytogenetic location: 21q22.11.
Variant type: single nucleotide variant.
Coding change: c.589A>T on transcript NM_005534.4 (MANE Select); coding-DNA position 589, A replaced by T.
Protein change: p.Ile197Phe; replaces isoleucine 197 with phenylalanine.
Molecular consequence: missense variant.
Genome position (GRCh38, 1-based): chr21:33,432,204, A>T. VCF-style: chr21-33432204-A-T. GRCh37 (hg19) VCF-style: chr21-34804511-A-T.
Other names: c.646A>T, p.Ile216Phe (NM_001329128.2); short protein forms I197F, I216F.
Identifiers: ClinVar variation 1524851 (VCV001524851.3), dbSNP rs749339064, ClinGen allele CA10006980.

ClinVar aggregate classification (germline): Uncertain significance (1 of 4 stars; one submission).

Conditions:
Immunodeficiency 28 (IMD28). Also called: IFNGR2 DEFICIENCY. Identifiers: Orphanet 319547, Orphanet 319574, MedGen C4013947, MONDO:0013953, OMIM 614889.

Allele frequency attached by ClinVar (database versions not stated): gnomAD 0.00001; ExAC 0.00002; gnomAD exomes 0.00002; TOPMed 0.00002.
gnomAD v4.1: 52 of 1,614,050 alleles (0.0032%); highest among the groups gnomAD compares: Non-Finnish European, 0.0042%; no homozygotes.

Submission:

Labcorp Genetics (formerly Invitae), Labcorp
Classification: Uncertain significance for Immunodeficiency 28. Last evaluated: 2022-08-15. Review status: criteria provided, single submitter. Criteria: Invitae Variant Classification Sherloc (09022015). Collection method: clinical testing. Allele origin: germline.
Comment: This sequence change replaces isoleucine, which is neutral and non-polar, with phenylalanine, which is neutral and non-polar, at codon 197 of the IFNGR2 protein (p.Ile197Phe). This variant is present in population databases (rs749339064, gnomAD 0.005%). This variant has not been reported in the literature in individuals affected with IFNGR2-related conditions. ClinVar contains an entry for this variant (Variation ID: 1524851). Algorithms developed to predict the effect of missense changes on protein structure and function are either unavailable or do not agree on the potential impact of this missense change (SIFT: "Tolerated"; PolyPhen-2: "Probably Damaging"; Align-GVGD: "Class C0"). In summary, the available evidence is currently insufficient to determine the role of this variant in disease. Therefore, it has been classified as a Variant of Uncertain Significance.